The following is an entry in ClinVar:

ClinVar aggregate classification (germline): Uncertain significance (1 of 4 stars; one submission).

Submission:

CeGaT Center for Human Genetics Tuebingen
Classification: Uncertain significance. Last evaluated: 2023-01-01. Review status: criteria provided, single submitter. Criteria: CeGaT Center For Human Genetics Tuebingen Variant Classification Criteria Version 2. Collection method: clinical testing. Allele origin: germline. Affected: yes. Observed: 1 variant allele.
Comment: SMC3: PM2, BP4

NM_005445.4(SMC3):c.970-8_970-4del

Gene: SMC3 (structural maintenance of chromosomes 3; plus strand). Cytogenetic location: 10q25.2.
Variant type: Deletion.
Coding change: c.970-8_970-4del on transcript NM_005445.4 (MANE Select); 8 bases into the intron before coding-DNA position 970 through 4 bases into the intron before coding-DNA position 970, 5 bases deleted (GTTTA; older notation c.970-8_970-4delGTTTA).
Molecular consequence: intron variant.
Genome position (GRCh38, 1-based): chr10:110,583,833-110,583,837, GTTTA deleted. VCF-style (leftmost placement, unchanged base first): chr10-110583832-TGTTTA-T. GRCh37 (hg19) VCF-style: chr10-112343590-TGTTTA-T.
Identifiers: ClinVar variation 2640825 (VCV002640825.24), dbSNP rs2493116554, ClinGen allele CA2610887765.